The following is an entry in ClinVar:

ClinVar aggregate classification (germline): Uncertain significance (1 of 4 stars; one submission).

Conditions:
Familial cold autoinflammatory syndrome 2 (FCAS2). Identifiers: Orphanet 247868, MedGen C2673198, MONDO:0012724, OMIM 611762.

Submission:

Labcorp Genetics (formerly Invitae), Labcorp
Classification: Uncertain significance for Familial cold autoinflammatory syndrome 2. Last evaluated: 2022-02-07. Review status: criteria provided, single submitter. Criteria: Invitae Variant Classification Sherloc (09022015). Collection method: clinical testing. Allele origin: germline.
Comment: In summary, the available evidence is currently insufficient to determine the role of this variant in disease. Therefore, it has been classified as a Variant of Uncertain Significance. Experimental studies and prediction algorithms are not available or were not evaluated, and the functional significance of this variant is currently unknown. This variant has not been reported in the literature in individuals affected with NLRP12-related conditions. This variant results in a copy number gain of the genomic region encompassing exon(s) 7-8 of the NLRP12 gene. While the exact position of this variant cannot be determined from the data, sub-genic copy number gains are generally in tandem (PMID: 25640679). This variant is predicted to be in-frame, and likely preserves the integrity of the reading frame.

Literature cited by the submitters: PubMed 25640679.

NC_000019.9:g.(?_54301477)_(54304671_?)dup

Gene: NLRP12 (NLR family pyrin domain containing 12; minus strand). Cytogenetic location: 19q13.42.
Variant type: Duplication.
Identifiers: ClinVar variation 2427310 (VCV002427310.4).